The following is an entry in ClinVar:

NM_005685.4(GTF2IRD1):c.654C>T (p.Asn218=)

Gene: GTF2IRD1 (GTF2I repeat domain containing 1; plus strand). Cytogenetic location: 7q11.23.
Variant type: single nucleotide variant.
Coding change: c.654C>T on transcript NM_005685.4 (MANE Select); coding-DNA position 654, C replaced by T.
Protein change: p.Asn218=; no amino-acid change (asparagine 218 retained).
Molecular consequence: synonymous variant.
Genome position (GRCh38, 1-based): chr7:74,519,457, C>T. VCF-style: chr7-74519457-C-T. GRCh37 (hg19) VCF-style: chr7-73933787-C-T.
Other names: c.750C>T, p.Asn250= (NM_001199207.2); c.654C>T, p.Asn218= (NM_001410888.1, NM_016328.3).
Identifiers: ClinVar variation 3053613 (VCV003053613.2), dbSNP rs144286165, ClinGen allele CA4296585.

ClinVar aggregate classification (germline): Likely benign (0 of 4 stars; one submission).

Conditions:
GTF2IRD1-related disorder. Also called: GTF2IRD1-related condition.

Allele frequency attached by ClinVar (database versions not stated): ExAC 0.00015; gnomAD 0.00029; TOPMed 0.00038; ESP Exome Variant Server 0.00062.
gnomAD v4.1: 101 of 1,578,222 alleles (0.0064%); highest among the groups gnomAD compares: African/African-American, 0.11%; no homozygotes.

Submission:

PreventionGenetics, part of Exact Sciences
Classification: Likely benign for GTF2IRD1-related condition. Last evaluated: 2019-08-23. Review status: no assertion criteria provided. Collection method: clinical testing. Allele origin: germline.
Comment: This variant is classified as likely benign based on ACMG/AMP sequence variant interpretation guidelines (Richards et al. 2015 PMID: 25741868, with internal and published modifications).